The following is an entry in ClinVar:

ClinVar aggregate classification (germline): Uncertain significance. Review status: criteria provided, multiple submitters, no conflicts (2 of 4 stars). 3 submissions from 3 submitters: Uncertain significance (3). Last evaluated 2024-06-05.

Conditions:
Pheochromocytoma/paraganglioma syndrome 4. Also called: CAROTID BODY TUMORS AND MULTIPLE EXTRAADRENAL PHEOCHROMOCYTOMAS; SDHB-Related Hereditary Paraganglioma-Pheochromocytoma Syndrome (Paragangliomas 4); SDHB-Related Hereditary Paraganglioma-Pheochromocytoma Syndrome; PARAGANGLIOMA, FAMILIAL MALIGNANT; PARAGANGLIOMAS, HEREDITARY EXTRAADRENAL; PHEOCHROMOCYTOMA, FAMILIAL EXTRAADRENAL. Identifiers: Orphanet 29072, MedGen C1861848, MONDO:0007273, OMIM 115310.
Gastrointestinal stromal tumor. Also called: Gastrointestinal stromal tumor, somatic; Gastrointestinal stroma tumor. Identifiers: Orphanet 44890, MedGen C0238198, MeSH D046152, MONDO:0011719, OMIM 606764, HP:0100723.
Pheochromocytoma. Also called: MAX-Related Hereditary Paraganglioma-Pheochromocytoma Syndrome. Identifiers: Orphanet 29072, MedGen C0031511, MONDO:0008233, OMIM 171300, HP:0002666.
Hereditary cancer-predisposing syndrome. Also called: Neoplastic Syndromes, Hereditary; Tumor predisposition; Hereditary Cancer Syndrome; Hereditary neoplastic syndrome. Identifiers: Orphanet 140162, MedGen C0027672, MeSH D009386, MONDO:0015356.

Submissions (3):

Ambry Genetics
Classification: Uncertain significance for Hereditary cancer-predisposing syndrome. Last evaluated: 2024-06-05. Review status: criteria provided, single submitter. Criteria: Ambry Variant Classification Scheme 2023. Collection method: clinical testing. Allele origin: germline.
Comment: The p.Q235H variant (also known as c.705G>C), located in coding exon 7 of the SDHB gene, results from a G to C substitution at nucleotide position 705. The glutamine at codon 235 is replaced by histidine, an amino acid with highly similar properties. This amino acid position is highly conserved in available vertebrate species. In addition, this alteration is predicted to be deleterious by in silico analysis. Based on the available evidence, the clinical significance of this variant remains unclear.

Labcorp Genetics (formerly Invitae), Labcorp
Classification: Uncertain significance for Gastrointestinal stromal tumor; Pheochromocytoma/paraganglioma syndrome 4; Pheochromocytoma. Last evaluated: 2022-08-23. Review status: criteria provided, single submitter. Criteria: Invitae Variant Classification Sherloc (09022015). Collection method: clinical testing. Allele origin: germline.
Comment: This sequence change replaces glutamine, which is neutral and polar, with histidine, which is basic and polar, at codon 235 of the SDHB protein (p.Gln235His). This variant is not present in population databases (gnomAD no frequency). This variant has not been reported in the literature in individuals affected with SDHB-related conditions. ClinVar contains an entry for this variant (Variation ID: 826804). Advanced modeling of protein sequence and biophysical properties (such as structural, functional, and spatial information, amino acid conservation, physicochemical variation, residue mobility, and thermodynamic stability) performed at Invitae indicates that this missense variant is not expected to disrupt SDHB protein function. In summary, the available evidence is currently insufficient to determine the role of this variant in disease. Therefore, it has been classified as a Variant of Uncertain Significance.

GeneDx
Classification: Uncertain significance. Last evaluated: 2019-02-12. Review status: criteria provided, single submitter. Criteria: GeneDx Variant Classification Process June 2021. Collection method: clinical testing. Allele origin: germline. Affected: yes.
Comment: Has not been previously published as pathogenic or benign to our knowledge; Not observed in large population cohorts (Lek et al., 2016); In silico analysis, which includes protein predictors and evolutionary conservation, supports that this variant does not alter protein structure/function

NM_003000.3(SDHB):c.705G>C (p.Gln235His)

Gene: SDHB (succinate dehydrogenase complex iron sulfur subunit B; minus strand). Cytogenetic location: 1p36.13.
Variant type: single nucleotide variant.
Coding change: c.705G>C on transcript NM_003000.3 (MANE Select); coding-DNA position 705, G replaced by C.
Protein change: p.Gln235His; replaces glutamine 235 with histidine.
Molecular consequence: missense variant.
Genome position (GRCh38, 1-based): chr1:17,022,668, C>G on the plus strand (G>C on the coding strand, the complement: SDHB is on the minus strand). VCF-style: chr1-17022668-C-G. GRCh37 (hg19) VCF-style: chr1-17349163-C-G.
Other names: short protein forms Q235H.
Identifiers: ClinVar variation 826804 (VCV000826804.13), dbSNP rs1570944851, ClinGen allele CA338270283.
Genomic context (GRCh38, chr1:17,022,668, plus strand): 5'-CTTAGGACAGGTCCTTGTGCAGTTCATGATGGTGTGGCAGCGGTATAGAGAGAATGGGTC[C>G]TGCAGCTTGGCCAGGCGCTCCTCTGTGAAGTCATCTCTGGAGTCAATCATCCAGCGATAG-3'
Protein context (NP_002991.2, residues 225-245): DFTEERLAKL[Gln235His]DPFSLYRCHT